The following is an entry in ClinVar:

NM_006496.4(GNAI3):c.986C>T (p.Thr329Met)

Gene: GNAI3 (G protein subunit alpha i3; plus strand). Cytogenetic location: 1p13.3.
Variant type: single nucleotide variant.
Coding change: c.986C>T on transcript NM_006496.4 (MANE Select); coding-DNA position 986, C replaced by T.
Protein change: p.Thr329Met; replaces threonine 329 with methionine.
Molecular consequence: missense variant.
Genome position (GRCh38, 1-based): chr1:109,592,154, C>T. VCF-style: chr1-109592154-C-T. GRCh37 (hg19) VCF-style: chr1-110134776-C-T.
Other names: short protein forms T329M.
Identifiers: ClinVar variation 917731 (VCV000917731.1), dbSNP rs1316507687, ClinGen allele CA341524744.

ClinVar aggregate classification (germline): Uncertain significance (1 of 4 stars; one submission).

Allele frequency attached by ClinVar (database versions not stated): gnomAD exomes below 0.00001; TOPMed 0.00001.
gnomAD v4.1: 12 of 1,612,534 alleles (0.00074%); highest among the groups gnomAD compares: Admixed American, 0.0033%; no homozygotes.

Submission:

Women's Health and Genetics/Laboratory Corporation of America, LabCorp
Classification: Uncertain significance. Last evaluated: 2020-02-07. Review status: criteria provided, single submitter. Criteria: LabCorp Variant Classification Summary - May 2015. Collection method: clinical testing. Allele origin: germline.
Comment: Variant summary: GNAI3 c.986C>T (p.Thr329Met) results in a non-conservative amino acid change in the encoded protein sequence. Five of five in-silico tools predict a damaging effect of the variant on protein function. The variant allele was found at a frequency of 4e-06 in 251392 control chromosomes. The available data on variant occurrences in the general population are insufficient to allow any conclusion about variant significance. To our knowledge, no occurrence of c.986C>T in individuals affected with Auriculocondylar syndrome and no experimental evidence demonstrating its impact on protein function have been reported. No clinical diagnostic laboratories have submitted clinical-significance assessments for this variant to ClinVar after 2014. Based on the evidence outlined above, the variant was classified as uncertain significance.